The following is an entry in ClinVar:

NM_002168.4(IDH2):c.338G>T (p.Cys113Phe)

Gene: IDH2 (isocitrate dehydrogenase (NADP(+)) 2; minus strand). Cytogenetic location: 15q26.1.
Variant type: single nucleotide variant.
Coding change: c.338G>T on transcript NM_002168.4 (MANE Select); coding-DNA position 338, G replaced by T.
Protein change: p.Cys113Phe; replaces cysteine 113 with phenylalanine.
Molecular consequence: missense variant. On other transcripts: intron variant (1).
Genome position (GRCh38, 1-based): chr15:90,090,514, C>A on the plus strand (G>T on the coding strand, the complement: IDH2 is on the minus strand). VCF-style: chr15-90090514-C-A. GRCh37 (hg19) VCF-style: chr15-90633746-C-A.
Other names: c.182G>T, p.Cys61Phe (NM_001289910.1); c.-17-1767G>T (NM_001290114.2); short protein forms C113F, C61F.
Identifiers: ClinVar variation 2194730 (VCV002194730.4), dbSNP rs2505796605, ClinGen allele CA393802625.

ClinVar aggregate classification (germline): Uncertain significance (1 of 4 stars; one submission).

Conditions:
D-2-hydroxyglutaric aciduria 2 (D2HGA2). Identifiers: Orphanet 79315, MedGen C3150909, MONDO:0013345, OMIM 613657.

Submission:

Labcorp Genetics (formerly Invitae), Labcorp
Classification: Uncertain significance for D-2-hydroxyglutaric aciduria 2. Last evaluated: 2022-03-04. Review status: criteria provided, single submitter. Criteria: Invitae Variant Classification Sherloc (09022015). Collection method: clinical testing. Allele origin: germline.
Comment: This sequence change replaces cysteine, which is neutral and slightly polar, with phenylalanine, which is neutral and non-polar, at codon 113 of the IDH2 protein (p.Cys113Phe). This variant is not present in population databases (gnomAD no frequency). This variant has not been reported in the literature in individuals affected with IDH2-related conditions. Algorithms developed to predict the effect of missense changes on protein structure and function are either unavailable or do not agree on the potential impact of this missense change (SIFT: "Deleterious"; PolyPhen-2: "Probably Damaging"; Align-GVGD: "Class C0"). In summary, the available evidence is currently insufficient to determine the role of this variant in disease. Therefore, it has been classified as a Variant of Uncertain Significance.